The following is an entry in ClinVar:

ClinVar aggregate classification (germline): Uncertain significance (1 of 4 stars; one submission).

Conditions:
Colorectal cancer. Also called: Malignant Colorectal Neoplasm; Colorectal cancer, somatic. Identifiers: MedGen C0346629, MONDO:0005575, OMIM 114500.
Von Hippel-Lindau syndrome (VHLS). Also called: Von Hippel-Lindau; VHL syndrome; von Hippel–Lindau syndrome. Identifiers: Orphanet 892, MedGen C0019562, MONDO:0008667, OMIM 193300. Disease mechanism: loss of function.
Multiple myeloma (MM). Also called: Plasma cell myeloma; Multiple myeloma, somatic. Identifiers: Orphanet 29073, Orphanet 85443, MedGen C0026764, MeSH D009101, MONDO:0009693, OMIM 254500, HP:0006775.

gnomAD v4.1: 3 of 1,613,956 alleles (0.00019%); highest among the groups gnomAD compares: South Asian, 0.0011%; no homozygotes.

Submission:

Juno Genomics, Hangzhou Juno Genomics, Inc
Classification: Uncertain significance for Colorectal cancer; Multiple myeloma; Von Hippel-Lindau syndrome. Review status: criteria provided, single submitter. Criteria: ACMG Guidelines, 2015. Collection method: clinical testing. Allele origin: germline.
Comment: Absent from controls (or at extremely low frequency if recessive) in Genome Aggregation Database.

NM_053056.3(CCND1):c.614C>T (p.Ala205Val)

Gene: CCND1 (cyclin D1; plus strand). Cytogenetic location: 11q13.3.
Variant type: single nucleotide variant.
Coding change: c.614C>T on transcript NM_053056.3 (MANE Select); coding-DNA position 614, C replaced by T.
Protein change: p.Ala205Val; replaces alanine 205 with valine.
Molecular consequence: missense variant.
Genome position (GRCh38, 1-based): chr11:69,648,033, C>T. VCF-style: chr11-69648033-C-T. GRCh37 (hg19) VCF-style: chr11-69462801-C-T.
Other names: short protein forms A205V.
Identifiers: ClinVar variation 5018731 (VCV005018731.2).